The following is an entry in ClinVar:

ClinVar aggregate classification (germline): Uncertain significance (1 of 4 stars; one submission).

Conditions:
PLXNA1-related disorder. Also called: PLXNA1-related condition.

Submission:

PreventionGenetics, part of Exact Sciences
Classification: Uncertain significance for PLXNA1-related condition. Last evaluated: 2025-03-13. Review status: criteria provided, single submitter. Criteria: ACMG Guidelines, 2015. Collection method: clinical testing. Allele origin: germline.
Comment: The PLXNA1 c.191A>G variant is predicted to result in the amino acid substitution p.Tyr64Cys. To our knowledge, this variant has not been reported in the literature or in a large population database (gnomAD), indicating this variant is rare. At this time, the clinical significance of this variant is uncertain due to the absence of conclusive functional and genetic evidence.

NM_032242.4(PLXNA1):c.191A>G (p.Tyr64Cys)

Gene: PLXNA1 (plexin A1; plus strand). Cytogenetic location: 3q21.3.
Variant type: single nucleotide variant.
Coding change: c.191A>G on transcript NM_032242.4 (MANE Select); coding-DNA position 191, A replaced by G.
Protein change: p.Tyr64Cys; replaces tyrosine 64 with cysteine.
Molecular consequence: missense variant.
Genome position (GRCh38, 1-based): chr3:126,988,784, A>G. VCF-style: chr3-126988784-A-G. GRCh37 (hg19) VCF-style: chr3-126707627-A-G.
Other names: short protein forms Y64C.
Identifiers: ClinVar variation 4996960 (VCV004996960.1).